The following is an entry in ClinVar:

ClinVar aggregate classification (germline): Conflicting classifications of pathogenicity. Review status: criteria provided, conflicting classifications (1 of 4 stars). 2 submissions from 2 submitters: Uncertain significance (1); Likely benign (1). Last evaluated 2024-05-22.

Conditions:
Inborn genetic diseases. Identifiers: MedGen C0950123, MeSH D030342.

Allele frequency attached by ClinVar (database versions not stated): ExAC 0.00002; gnomAD exomes 0.00003 and 0.00005; TOPMed 0.00003; gnomAD 0.00004; ESP Exome Variant Server 0.00008.
gnomAD v4.1: 77 of 1,613,788 alleles (0.0048%); highest among the groups gnomAD compares: Non-Finnish European, 0.0063%; no homozygotes.

Submissions (2):

Ambry Genetics
Classification: Likely benign for Inborn genetic diseases. Last evaluated: 2024-05-22. Review status: criteria provided, single submitter. Criteria: Ambry Variant Classification Scheme 2023. Collection method: clinical testing. Allele origin: germline.

GeneDx
Classification: Uncertain significance. Last evaluated: 2017-05-02. Review status: criteria provided, single submitter. Criteria: GeneDx Variant Classification (06012015). Collection method: clinical testing. Allele origin: germline. Affected: yes.
Comment: A variant of uncertain significance has been identified in the CDK5RAP2 gene. The P35R variant has not been published as a pathogenic variant, nor has it been reported as a benign variant to our knowledge. The P35R variant is not observed at a significant frequency in large population cohorts (Lek et al., 2016; 1000 Genomes Consortium et al., 2015; Exome Variant Server). The P35R variant is a non-conservative amino acid substitution, which is likely to impact secondary protein structure as these residues differ in polarity, charge, size and/or other properties. However, this substitution occurs at a position that is not conserved and in silico analysis is inconsistent in its predictions as to whether or not the variant is damaging to the protein structure/function. Therefore, based on the currently available information, it is unclear whether this variant is a pathogenic variant or a rare benign variant.

NM_018249.6(CDK5RAP2):c.104C>G (p.Pro35Arg)

Gene: CDK5RAP2 (CDK5 regulatory subunit associated protein 2; minus strand). Cytogenetic location: 9q33.2.
Variant type: single nucleotide variant.
Coding change: c.104C>G on transcript NM_018249.6 (MANE Select); coding-DNA position 104, C replaced by G.
Protein change: p.Pro35Arg; replaces proline 35 with arginine.
Molecular consequence: missense variant. On other transcripts: non-coding transcript variant (5).
Genome position (GRCh38, 1-based): chr9:120,571,997, G>C on the plus strand (C>G on the coding strand, the complement: CDK5RAP2 is on the minus strand). VCF-style: chr9-120571997-G-C. GRCh37 (hg19) VCF-style: chr9-123334275-G-C.
Other names: c.104C>G, p.Pro35Arg (NM_001011649.3, NM_001272039.2); short protein forms P35R.
Identifiers: ClinVar variation 429445 (VCV000429445.5), dbSNP rs369355023, ClinGen allele CA5214863.
Genomic context (GRCh38, chr9:120,571,997, plus strand): 5'-TCTTTACTCAAGAGAATGCCTGGTTTTGTGTACTTACGACCATTTCCCAACCCAGCATTG[G>C]GGTTGATGCCATCCAGGTCATCTGGTACACTGGGAACAAGGCCACTAGGAGAGAACACAT-3'
Protein context (NP_060719.4, residues 25-45): SVPDDLDGIN[Pro35Arg]NAGLGNGLLP